The following is an entry in ClinVar:

NM_016932.5(SIX2):c.-2C>G

Gene: SIX2 (SIX homeobox 2; minus strand). Cytogenetic location: 2p21.
Variant type: single nucleotide variant.
Coding change: c.-2C>G on transcript NM_016932.5 (MANE Select); 2 bases upstream of the start codon, C replaced by G.
Molecular consequence: 5 prime UTR variant.
Genome position (GRCh38, 1-based): chr2:45,009,112, G>C on the plus strand (C>G on the coding strand, the complement: SIX2 is on the minus strand). VCF-style: chr2-45009112-G-C. GRCh37 (hg19) VCF-style: chr2-45236251-G-C.
Identifiers: ClinVar variation 3038004 (VCV003038004.2), dbSNP rs766486968, ClinGen allele CA1642644.

ClinVar aggregate classification (germline): Likely benign (0 of 4 stars; one submission).

Conditions:
SIX2-related disorder. Also called: SIX2-related condition.

Submission:

PreventionGenetics, part of Exact Sciences
Classification: Likely benign for SIX2-related condition. Last evaluated: 2021-05-19. Review status: no assertion criteria provided. Collection method: clinical testing. Allele origin: germline.
Comment: This variant is classified as likely benign based on ACMG/AMP sequence variant interpretation guidelines (Richards et al. 2015 PMID: 25741868, with internal and published modifications).